The following is an entry in ClinVar:

NM_018319.4(TDP1):c.1107T>C (p.Asn369=)

Gene: TDP1 (tyrosyl-DNA phosphodiesterase 1; plus strand). Cytogenetic location: 14q32.11.
Variant type: single nucleotide variant.
Coding change: c.1107T>C on transcript NM_018319.4 (MANE Select); coding-DNA position 1107, T replaced by C.
Protein change: p.Asn369=; no amino-acid change (asparagine 369 retained).
Molecular consequence: synonymous variant.
Genome position (GRCh38, 1-based): chr14:89,985,186, T>C. VCF-style: chr14-89985186-T-C. GRCh37 (hg19) VCF-style: chr14-90451530-T-C.
Other names: p.Asn369=; c.1107T>C, p.Asn369= (NM_001008744.2, NM_001330205.2).
Identifiers: ClinVar variation 314834 (VCV000314834.13), dbSNP rs10151377, ClinGen allele CA7303834.

ClinVar aggregate classification (germline): Benign. Review status: criteria provided, multiple submitters, no conflicts (2 of 4 stars). 6 submissions from 6 submitters: Benign (5). 1 of the submissions does not count toward it. Last evaluated 2023-11-16.

Conditions:
Spinocerebellar ataxia, autosomal recessive, with axonal neuropathy 1 (SCAN1). Identifiers: Orphanet 94124, MedGen C4759870, MONDO:0011801, OMIM 607250.
TDP1-related disorder. Also called: TDP1-related condition.

Allele frequency attached by ClinVar (database versions not stated): gnomAD exomes 0.00346 and 0.00933; ExAC 0.01147; gnomAD 0.03163 and 0.03424; 1000 Genomes Project 0.03395; 1000 Genomes Project 30x 0.03560; TOPMed 0.03611; ESP Exome Variant Server 0.03901.
gnomAD v4.1: 10,138 of 1,610,214 alleles (0.63%); highest among the groups gnomAD compares: African/African-American, 11%; 505 homozygotes.

Submissions (6):

Athena Diagnostics
Classification: Benign. Last evaluated: 2023-11-16. Review status: criteria provided, single submitter. Criteria: Athena Diagnostics Criteria. Collection method: clinical testing. Allele origin: unknown.

GeneDx
Classification: Benign. Last evaluated: 2021-04-13. Review status: criteria provided, single submitter. Criteria: GeneDx Variant Classification Process June 2021. Collection method: clinical testing. Allele origin: germline. Affected: yes.

Mayo Clinic Laboratories, Mayo Clinic
Classification: Benign. Last evaluated: 2019-09-11. Review status: criteria provided, single submitter. Criteria: ACMG Guidelines, 2015. Collection method: clinical testing. Allele origin: germline. Observed: 41 variant alleles.

Illumina Laboratory Services, Illumina
Classification: Benign for Spinocerebellar ataxia, autosomal recessive, with axonal neuropathy 1. Last evaluated: 2018-01-13. Review status: criteria provided, single submitter. Criteria: ICSL Variant Classification Criteria 13 December 2019. Collection method: clinical testing. Allele origin: germline.
Comment: This variant was observed in the ICSL laboratory as part of a predisposition screen in an ostensibly healthy population. It had not been previously curated by ICSL or reported in the Human Gene Mutation Database (HGMD: prior to June 1st, 2018), and was therefore a candidate for classification through an automated scoring system. Utilizing variant allele frequency, disease prevalence and penetrance estimates, and inheritance mode, an automated score was calculated to assess if this variant is too frequent to cause the disease. Based on the score and internal cut-off values, a variant classified as benign is not then subjected to further curation. The score for this variant resulted in a classification of benign for this disease.

Breakthrough Genomics
Classification: Benign. Review status: criteria provided, single submitter. Criteria: ACMG Guidelines, 2015. Collection method: not provided. Allele origin: germline. Inheritance: Autosomal recessive inheritance. Affected: yes.

PreventionGenetics, part of Exact Sciences
Classification: Benign for TDP1-related condition. Last evaluated: 2019-02-27. Review status: no assertion criteria provided. Collection method: clinical testing. Allele origin: germline. Not counted in ClinVar's aggregate classification.
Comment: This variant is classified as benign based on ACMG/AMP sequence variant interpretation guidelines (Richards et al. 2015 PMID: 25741868, with internal and published modifications).